The following is an entry in ClinVar:

NM_001854.4(COL11A1):c.3655-2A>G

Gene: COL11A1 (collagen type XI alpha 1 chain; minus strand). Cytogenetic location: 1p21.1.
Variant type: single nucleotide variant.
Coding change: c.3655-2A>G on transcript NM_001854.4 (MANE Select); the canonical splice acceptor site of the intron before coding-DNA position 3655, A replaced by G.
Molecular consequence: splice acceptor variant.
Genome position (GRCh38, 1-based): chr1:102,921,573, T>C on the plus strand (A>G on the coding strand, the complement: COL11A1 is on the minus strand). VCF-style: chr1-102921573-T-C. GRCh37 (hg19) VCF-style: chr1-103387129-T-C.
Other names: c.3538-2A>G (NM_001190709.2); c.3691-2A>G (NM_080629.3); c.3307-2A>G (NM_080630.4).
Identifiers: ClinVar variation 2136092 (VCV002136092.2), dbSNP rs2524553668, ClinGen allele CA341164426.
Genomic context (GRCh38, chr1:102,921,573, plus strand): 5'-CTTACATCAGCTCCATTGGGACCTTGAGGGCCTCTTGGGCCTGGAGGACCAGGTGGCCCC[T>C]GTAAGAGAGAAATATTGAGGTTTACAAAGACCAAATTCAAATGTGTTTCCAACATTTTCA-3'

ClinVar aggregate classification (germline): Likely pathogenic. Review status: criteria provided, multiple submitters, no conflicts (2 of 4 stars). 2 submissions from 2 submitters: Likely pathogenic (2). Last evaluated 2025-12-31.

Submissions (2):

Labcorp Genetics (formerly Invitae), Labcorp
Classification: Likely pathogenic. Last evaluated: 2025-12-31. Review status: criteria provided, single submitter. Criteria: Invitae Variant Classification Sherloc (09022015). Collection method: clinical testing. Allele origin: germline.
Comment: This sequence change affects an acceptor splice site in intron 47 of the COL11A1 gene. It is expected to disrupt RNA splicing. Variants that disrupt the donor or acceptor splice site typically lead to a loss of protein function (PMID: 16199547), and loss-of-function variants in COL11A1 are known to be pathogenic (PMID: 20513134, 21035103, 23922384, 25240749, 32427345, 32756486). This variant is not present in population databases (gnomAD no frequency). Disruption of this splice site has been observed in individual(s) with COL11A1-related conditions (PMID: 10486316). This variant is also known as A-2IVS47>G. ClinVar contains an entry for this variant (Variation ID: 2136092). Algorithms developed to predict the effect of sequence changes on RNA splicing suggest that this variant may disrupt the consensus splice site. In summary, the currently available evidence indicates that the variant is pathogenic, but additional data are needed to prove that conclusively. Therefore, this variant has been classified as Likely Pathogenic.

GeneDx
Classification: Likely pathogenic. Last evaluated: 2023-01-18. Review status: criteria provided, single submitter. Criteria: GeneDx Variant Classification Process June 2021. Collection method: clinical testing. Allele origin: germline. Affected: yes.
Comment: Damages or destroys the splice acceptor site in intron 47, and is expected to cause abnormal gene splicing; if the splice outcome is exon skip, the loss of the encoded residues in the triple helical region is expected to disrupt normal protein folding and function (HGMD; Acke et al., 2014); Not observed at significant frequency in large population cohorts (gnomAD); This variant is associated with the following publications: (PMID: 25525159, 17236192, 25240749, 10486316)

Literature cited by the submitters: PubMed 16199547 (cited by Labcorp Genetics (formerly Invitae), Labcorp); PubMed 20513134 (cited by Labcorp Genetics (formerly Invitae), Labcorp); PubMed 21035103 (cited by Labcorp Genetics (formerly Invitae), Labcorp); PubMed 23922384 (cited by Labcorp Genetics (formerly Invitae), Labcorp); PubMed 25240749 (cited by Labcorp Genetics (formerly Invitae), Labcorp); PubMed 32427345 (cited by Labcorp Genetics (formerly Invitae), Labcorp); PubMed 32756486 (cited by Labcorp Genetics (formerly Invitae), Labcorp); PubMed 10486316 (cited by Labcorp Genetics (formerly Invitae), Labcorp).